The following is an entry in ClinVar:

NM_007194.4(CHEK2):c.1289A>G (p.His430Arg)

Gene: CHEK2 (checkpoint kinase 2; minus strand). Cytogenetic location: 22q12.1.
Variant type: single nucleotide variant.
Coding change: c.1289A>G on transcript NM_007194.4 (MANE Select); coding-DNA position 1289, A replaced by G.
Protein change: p.His430Arg; replaces histidine 430 with arginine.
Molecular consequence: missense variant.
Genome position (GRCh38, 1-based): chr22:28,695,213, T>C on the plus strand (A>G on the coding strand, the complement: CHEK2 is on the minus strand). VCF-style: chr22-28695213-T-C. GRCh37 (hg19) VCF-style: chr22-29091201-T-C.
Other names: c.1418A>G, p.His473Arg (NM_001005735.3); c.626A>G, p.His209Arg (NM_001257387.3); c.1088A>G, p.His363Arg (NM_001349956.3); c.1202A>G, p.His401Arg (NM_145862.3); short protein forms H209R, H363R, H401R, H430R, H473R.
Identifiers: ClinVar variation 2680752 (VCV002680752.4), dbSNP rs2052522389, ClinGen allele CA411096202.

ClinVar aggregate classification (germline): Uncertain significance. Review status: criteria provided, multiple submitters, no conflicts (2 of 4 stars). 2 submissions from 2 submitters: Uncertain significance (2). Last evaluated 2024-05-07.

Conditions:
Familial cancer of breast. Also called: hereditary breast carcinoma; BREAST CANCER, FAMILIAL; Hereditary breast cancer. Identifiers: Orphanet 227535, MedGen C0346153, MONDO:0016419, OMIM 114480. Disease mechanism: loss of function.

gnomAD v4.1: 2 of 1,612,578 alleles (0.00012%); highest among the groups gnomAD compares: South Asian, 0.0011%; no homozygotes.

Submissions (2):

Labcorp Genetics (formerly Invitae), Labcorp
Classification: Uncertain significance for Familial cancer of breast. Last evaluated: 2024-05-07. Review status: criteria provided, single submitter. Criteria: Invitae Variant Classification Sherloc (09022015). Collection method: clinical testing. Allele origin: germline.
Comment: This sequence change replaces histidine, which is basic and polar, with arginine, which is basic and polar, at codon 430 of the CHEK2 protein (p.His430Arg). This variant is not present in population databases (gnomAD no frequency). This variant has not been reported in the literature in individuals affected with CHEK2-related conditions. An algorithm developed to predict the effect of missense changes on protein structure and function (PolyPhen-2) suggests that this variant is likely to be tolerated. In summary, the available evidence is currently insufficient to determine the role of this variant in disease. Therefore, it has been classified as a Variant of Uncertain Significance.

Baylor Genetics
Classification: Uncertain significance for Familial cancer of breast. Last evaluated: 2023-06-07. Review status: criteria provided, single submitter. Criteria: ACMG Guidelines, 2015. Collection method: clinical testing. Allele origin: unknown.